The following is an entry in ClinVar:

NM_000218.3(KCNQ1):c.1559T>G (p.Met520Arg)

Gene: KCNQ1 (potassium voltage-gated channel subfamily Q member 1; plus strand). Cytogenetic location: 11p15.5.
Variant type: single nucleotide variant.
Coding change: c.1559T>G on transcript NM_000218.3 (MANE Select); coding-DNA position 1559, T replaced by G.
Protein change: p.Met520Arg; replaces methionine 520 with arginine.
Molecular consequence: missense variant.
Genome position (GRCh38, 1-based): chr11:2,768,888, T>G. VCF-style: chr11-2768888-T-G. GRCh37 (hg19) VCF-style: chr11-2790118-T-G.
Other names: p.M520R:ATG>AGG; c.1559T>G (LRG_287t1); c.1463T>G, p.Met488Arg (NM_001406836.1); c.1289T>G, p.Met430Arg (NM_001406837.1); c.1019T>G, p.Met340Arg (NM_001406838.1); c.1178T>G, p.Met393Arg (NM_181798.2); short protein forms M520R, M393R, M488R, M430R, M340R.
Identifiers: ClinVar variation 52993 (VCV000052993.22), dbSNP rs199473479, ClinGen allele CA005930.
Genomic context (GRCh38, chr11:2,768,888, plus strand): 5'-CCTCTCTCCACTGCAGGCTGCGGGAACACCATCGGGCCACCATTAAGGTCATTCGACGCA[T>G]GCAGTACTTTGTGGCCAAGAAGAAATTCCAGGTAAGCCCTGTGCTGAGCCTTCCTGCCCT-3'
Protein context (NP_000209.2, residues 510-530): HRATIKVIRR[Met520Arg]QYFVAKKKFQ

ClinVar aggregate classification (germline): Pathogenic/Likely pathogenic. Review status: criteria provided, multiple submitters, no conflicts (2 of 4 stars). 7 submissions from 7 submitters: Pathogenic (5); Likely pathogenic (1). 1 of the submissions does not count toward it. Last evaluated 2026-08-11.

Conditions:
Cardiovascular phenotype. Identifiers: MedGen CN230736.
Familial long QT syndrome (RWS). Also called: Congenital long QT syndrome; Romano-Ward syndrome; VENTRICULAR FIBRILLATION WITH PROLONGED QT INTERVAL. Identifiers: Orphanet 768, MedGen C1141890, MONDO:0019171.
Long QT syndrome (LQTS). Identifiers: MedGen C0023976, MeSH D008133, MONDO:0002442. Disease mechanism: loss of function. Inheritance: Various modes of inheritance.
Long QT syndrome 1 (LQT1). Identifiers: Orphanet 101016, Orphanet 768, MedGen C4551647, MONDO:0100316, OMIM 192500, MONDO:0008646.

Submissions (7):

Ambry Genetics
Classification: Likely pathogenic for Cardiovascular phenotype. Last evaluated: 2026-08-11. Review status: criteria provided, single submitter. Criteria: Ambry Variant Classification Scheme 2023. Collection method: clinical testing. Allele origin: germline.
Comment: The c.1559T>G (p.M520R) alteration is located in exon 12 (coding exon 12) of the KCNQ1 gene. This alteration results from a T to G substitution at nucleotide position 1559, causing the methionine (M) at amino acid position 520 to be replaced by an arginine (R). This variant was not reported in population-based cohorts in the Genome Aggregation Database (gnomAD). This variant was identified in one or more individuals with features consistent with KCNQ1-related long QT syndrome and segregated with disease in at least one family (Moss, 2007; Schmitt, 2007; Kapa, 2009; Kapplinger, 2009). This amino acid position is highly conserved in available vertebrate species. In an assay testing KCNQ1 function, this variant showed a functionally abnormal result (Schmitt, 2007). This alteration is predicted to be deleterious by in silico analysis. Based on the available evidence, this alteration is classified as likely pathogenic.

Labcorp Genetics (formerly Invitae), Labcorp
Classification: Pathogenic for Long QT syndrome. Last evaluated: 2025-11-21. Review status: criteria provided, single submitter. Criteria: Invitae Variant Classification Sherloc (09022015). Collection method: clinical testing. Allele origin: germline.
Comment: This sequence change replaces methionine, which is neutral and non-polar, with arginine, which is basic and polar, at codon 520 of the KCNQ1 protein (p.Met520Arg). This variant is not present in population databases (gnomAD no frequency). This missense change has been observed in individuals with long QT syndrome (PMID: 17482572, 22456477, 22949429, 26669661). It has also been observed to segregate with disease in related individuals. ClinVar contains an entry for this variant (Variation ID: 52993). Invitae Evidence Modeling of protein sequence and biophysical properties (such as structural, functional, and spatial information, amino acid conservation, physicochemical variation, residue mobility, and thermodynamic stability) has been performed for this missense variant. However, the output from this modeling did not meet the statistical confidence thresholds required to predict the impact of this variant on KCNQ1 protein function. Experimental studies have shown that this missense change affects KCNQ1 function (PMID: 17482572). For these reasons, this variant has been classified as Pathogenic.

Mayo Clinic Laboratories, Mayo Clinic
Classification: Pathogenic. Last evaluated: 2025-10-29. Review status: criteria provided, single submitter. Criteria: ACMG Guidelines, 2015. Collection method: clinical testing. Allele origin: germline. Observed: 1 variant allele.
Comment: PP1_moderate, PP3_strong, PM2_supporting, PS3_supporting, PS4_moderate

Women's Health and Genetics/Laboratory Corporation of America, LabCorp
Classification: Pathogenic for Long QT syndrome. Last evaluated: 2025-01-24. Review status: criteria provided, single submitter. Criteria: LabCorp Variant Classification Summary - May 2015. Collection method: clinical testing. Allele origin: germline.
Comment: Variant summary: KCNQ1 c.1559T>G (p.Met520Arg) results in a non-conservative amino acid change in the encoded protein sequence. Five of five in-silico tools predict a damaging effect of the variant on protein function. The variant was absent in 251404 control chromosomes (gnomAD). c.1559T>G has been reported in the literature in multiple individuals affected with Long QT Syndrome and this variant co-segregated with the disease (Imboden_2006, Schmitt_2007). These data indicate that the variant is very likely to be associated with disease. At least one publication reports experimental evidence evaluating an impact on protein function and this variant affected protein function. The following publications have been ascertained in the context of this evaluation (PMID: 22293141, 17192539, 17482572). ClinVar contains an entry for this variant (Variation ID: 52993). Based on the evidence outlined above, the variant was classified as pathogenic.

GeneDx
Classification: Pathogenic. Last evaluated: 2024-09-09. Review status: criteria provided, single submitter. Criteria: GeneDx Variant Classification Process June 2021. Collection method: clinical testing. Allele origin: germline. Affected: yes.
Comment: Identified in several individuals with LQTS referred for genetic testing at GeneDx and in published literature (PMID: 17482572, 17470695, 19716085, 28479515); Not observed at significant frequency in large population cohorts (gnomAD); Published functional studies demonstrate an intracellular trafficking defect and channel loss of function, resulting in haploinsufficiency (PMID: 17482572); In silico analysis supports that this missense variant has a deleterious effect on protein structure/function; This variant is associated with the following publications: (PMID: 22949429, 17470695, 19716085, 19841300, 26344792, 28479515, 22456477, 26669661, 17482572, 31737537)

Victorian Clinical Genetics Services, Murdoch Childrens Research Institute
Classification: Pathogenic for Long QT syndrome 1. Last evaluated: 2022-02-02. Review status: criteria provided, single submitter. Criteria: ACMG Guidelines, 2015. Collection method: clinical testing. Allele origin: germline. Affected: yes.
Comment: Based on the classification scheme VCGS_Germline_v1.3.4, this variant is classified as Pathogenic. Following criteria are met: 0103 - Dominant negative, loss of function and gain of function are known mechanisms of disease in this gene. Gain of function variants result exclusively in short QT syndrome (MIM#609621), while dominant negative and loss of function variants can cause long QT syndrome (LQTS, MIM#192500), atrial fibrillation (MIM#607554) and Jervell and Lange-Nielsen syndrome (JLNS, MIM#220400) (OMIM, PMIDs: 19632626, 28438721). (I) 0108 - This gene is known to be associated with both recessive and dominant disease. JLNS is characterized by congenital, bilateral deafness and variable degrees of QT prolongation, and is the only condition caused by biallelic variants (PMID: 28438721). (I) 0112 - The condition associated with this gene has incomplete penetrance (OMIM, PMID: 20301308). (I) 0200 - Variant is predicted to result in a missense amino acid change from methionine to arginine. (I) 0251 - This variant is heterozygous. (I) 0301 - Variant is absent from gnomAD (both v2 and v3). (SP) 0501 - Missense variant consistently predicted to be damaging by multiple in silico tools or highly conserved with a major amino acid change. (SP) 0600 - Variant is located in the annotated C-terminal domain (Uniprot). (I) 0710 - Other missense variants comparable to the one identified in this case have inconclusive previous evidence for pathogenicity. Two alternative changes to a threonine and an isoleucine have been reported as VUS (ClinVar). (I) 0801 - This variant has strong previous evidence of pathogenicity in unrelated individuals. This variant has been reported in multiple individuals with long QT syndrome (ClinVar, PMID: 17470695,17482572). (SP) 0903 - This variant has limited evidence for segregation with disease. The variant has been reported to segregate with LQTS in an affected family (PMID: 17482572). (SP) 1002 - This variant has moderate functional evidence supporting abnormal protein function. Functional study demonstrated the variant leads to ER retention and dysfunctional trafficking of the mutant channel (PMID: 17482572). (SP) 1208 - Inheritance information for this variant is not currently available in this individual. (I) Legend: (SP) - Supporting pathogenic, (I) - Information, (SB) - Supporting benign

Cardiovascular Biomedical Research Unit, Royal Brompton & Harefield NHS Foundation Trust
No classification provided. Condition: Familial long QT syndrome. Review status: no classification provided. Collection method: literature only. Allele origin: germline. Not counted in ClinVar's aggregate classification.
Comment: This variant has been reported as associated with Long QT syndrome in the following publications (PMID:17482572;PMID:19716085;PMID:19841300;PMID:17470695). This is a literature report, and does not necessarily reflect the clinical interpretation of the Imperial College / Royal Brompton Cardiovascular Genetics laboratory.

Literature cited by the submitters: PubMed 17470695 (cited by 4 submitters); PubMed 17482572 (cited by 6 submitters); PubMed 19716085 (cited by 3 submitters); PubMed 19841300 (cited by 3 submitters); PubMed 22456477 (cited by Labcorp Genetics (formerly Invitae), Labcorp and Mayo Clinic Laboratories, Mayo Clinic); PubMed 22949429 (cited by Labcorp Genetics (formerly Invitae), Labcorp and Mayo Clinic Laboratories, Mayo Clinic); PubMed 26669661 (cited by Labcorp Genetics (formerly Invitae), Labcorp and Mayo Clinic Laboratories, Mayo Clinic); PubMed 28479515 (cited by Mayo Clinic Laboratories, Mayo Clinic); PubMed 31737537 (cited by Mayo Clinic Laboratories, Mayo Clinic); PubMed 17192539 (cited by Women's Health and Genetics/Laboratory Corporation of America, LabCorp); PubMed 22293141 (cited by Women's Health and Genetics/Laboratory Corporation of America, LabCorp); PubMed 19632626 (cited by Victorian Clinical Genetics Services, Murdoch Childrens Research Institute); PubMed 20301308 (cited by Victorian Clinical Genetics Services, Murdoch Childrens Research Institute); PubMed 28438721 (cited by Victorian Clinical Genetics Services, Murdoch Childrens Research Institute); PubMed 22581653 (cited by Cardiovascular Biomedical Research Unit, Royal Brompton & Harefield NHS Foundation Trust).